The following is an entry in ClinVar:

NM_021102.4(SPINT2):c.447G>T (p.Trp149Cys)

Gene: SPINT2 (serine peptidase inhibitor, Kunitz type 2; plus strand). Cytogenetic location: 19q13.2.
Variant type: single nucleotide variant.
Coding change: c.447G>T on transcript NM_021102.4 (MANE Select); coding-DNA position 447, G replaced by T.
Protein change: p.Trp149Cys; replaces tryptophan 149 with cysteine.
Molecular consequence: missense variant.
Genome position (GRCh38, 1-based): chr19:38,290,174, G>T. VCF-style: chr19-38290174-G-T. GRCh37 (hg19) VCF-style: chr19-38780814-G-T.
Other names: c.276G>T, p.Trp92Cys (NM_001166103.2); short protein forms W149C, W92C.
Identifiers: ClinVar variation 2878720 (VCV002878720.3), dbSNP rs780880496, ClinGen allele CA308082151.
Genomic context (GRCh38, chr19:38,290,174, plus strand): 5'-CCTAGAATACTGCACCGCCAACGCAGTCACTGGGCCTTGCCGTGCATCCTTCCCACGCTG[G>T]TACTTTGACGTGGAGAGGAACTCCTGCAATAACTTCATCTATGGAGGCTGCCGGGGCAAT-3'
Protein context (NP_066925.1, residues 139-159): TGPCRASFPR[Trp149Cys]YFDVERNSCN

ClinVar aggregate classification (germline): Uncertain significance (1 of 4 stars; one submission).

Allele frequency attached by ClinVar (database versions not stated): gnomAD 0.00004.
gnomAD v4.1: 16 of 1,612,512 alleles (0.00099%); highest among the groups gnomAD compares: Admixed American, 0.012%; no homozygotes.

Submission:

Labcorp Genetics (formerly Invitae), Labcorp
Classification: Uncertain significance. Last evaluated: 2023-03-08. Review status: criteria provided, single submitter. Criteria: Invitae Variant Classification Sherloc (09022015). Collection method: clinical testing. Allele origin: germline.
Comment: This sequence change replaces tryptophan, which is neutral and slightly polar, with cysteine, which is neutral and slightly polar, at codon 149 of the SPINT2 protein (p.Trp149Cys). This variant is not present in population databases (gnomAD no frequency). This variant has not been reported in the literature in individuals affected with SPINT2-related conditions. Advanced modeling of protein sequence and biophysical properties (such as structural, functional, and spatial information, amino acid conservation, physicochemical variation, residue mobility, and thermodynamic stability) performed at Invitae indicates that this missense variant is expected to disrupt SPINT2 protein function. In summary, the available evidence is currently insufficient to determine the role of this variant in disease. Therefore, it has been classified as a Variant of Uncertain Significance.